The following is an entry in ClinVar:

ClinVar aggregate classification (germline): Uncertain significance. Review status: criteria provided, multiple submitters, no conflicts (2 of 4 stars). 2 submissions from 2 submitters: Uncertain significance (2). Last evaluated 2026-07-07.

Conditions:
Inborn genetic diseases. Identifiers: MedGen C0950123, MeSH D030342.
Drash syndrome (DDS). Also called: NEPHROPATHY, WILMS TUMOR, AND GENITAL ANOMALIES; WILMS TUMOR AND PSEUDO- OR TRUE HERMAPHRODITISM. Identifiers: Orphanet 220, MedGen C0950121, MONDO:0008682, OMIM 194080.
Frasier syndrome. Identifiers: Orphanet 347, MedGen C0950122, MeSH D052159, MONDO:0007635, OMIM 136680.
Wilms tumor 1 (WT1). Also called: Wilms tumor, somatic. Identifiers: Orphanet 654, MedGen CN033288, MONDO:0008679, OMIM 194070.
11p partial monosomy syndrome (WAGR). Also called: CHROMOSOME 11p13 DELETION SYNDROME; WAGR syndrome; WAGR Spectrum Disorder; WAGR Complex. Identifiers: Orphanet 893, MedGen C0206115, MONDO:0008681, OMIM 194072.

Allele frequency attached by ClinVar (database versions not stated): ExAC 0.00001; gnomAD exomes 0.00001.
gnomAD v4.1: 3 of 1,612,996 alleles (0.00019%); highest among the groups gnomAD compares: Non-Finnish European, 0.00025%; no homozygotes.

Submissions (2):

Ambry Genetics
Classification: Uncertain significance for Inborn genetic diseases. Last evaluated: 2026-07-07. Review status: criteria provided, single submitter. Criteria: Ambry Variant Classification Scheme 2023. Collection method: clinical testing. Allele origin: germline.
Comment: The p.S208R variant (also known as c.624C>A), located in coding exon 1 of the WT1 gene, results from a C to A substitution at nucleotide position 624. The serine at codon 208 is replaced by arginine, an amino acid with dissimilar properties. This amino acid position is conserved. In addition, the in silico prediction for this alteration is inconclusive. Based on the available evidence, the clinical significance of this variant remains unclear.

Labcorp Genetics (formerly Invitae), Labcorp
Classification: Uncertain significance for Wilms tumor 1; Drash syndrome; 11p partial monosomy syndrome; Frasier syndrome. Last evaluated: 2021-12-30. Review status: criteria provided, single submitter. Criteria: Invitae Variant Classification Sherloc (09022015). Collection method: clinical testing. Allele origin: germline.
Comment: In summary, the available evidence is currently insufficient to determine the role of this variant in disease. Therefore, it has been classified as a Variant of Uncertain Significance. Algorithms developed to predict the effect of missense changes on protein structure and function are either unavailable or do not agree on the potential impact of this missense change (SIFT: "Deleterious"; PolyPhen-2: "Possibly Damaging"; Align-GVGD: "Class C15"). This variant has not been reported in the literature in individuals affected with WT1-related conditions. The frequency data for this variant in the population databases is considered unreliable, as metrics indicate poor data quality at this position in the gnomAD database. This sequence change replaces serine, which is neutral and polar, with arginine, which is basic and polar, at codon 208 of the WT1 protein (p.Ser208Arg).

NM_024426.6(WT1):c.639C>A (p.Ser213Arg)

Genes: WT1 (WT1 transcription factor; minus strand), LOC107982234 (WT1/WT1-AS bi-directional promoter region; plus strand). Cytogenetic location: 11p13.
Variant type: single nucleotide variant.
Coding change: c.639C>A on transcript NM_024426.6 (MANE Select); coding-DNA position 639, C replaced by A.
Protein change: p.Ser213Arg; replaces serine 213 with arginine.
Molecular consequence: missense variant. On other transcripts: non-coding transcript variant (1).
Genome position (GRCh38, 1-based): chr11:32,434,722, G>T on the plus strand (C>A on the coding strand, the complement: WT1 is on the minus strand). VCF-style: chr11-32434722-G-T. GRCh37 (hg19) VCF-style: chr11-32456268-G-T.
Other names: c.639C>A, p.Ser213Arg (NM_000378.6, NM_001407044.1, NM_001407045.1 and 6 more transcripts); c.624C>A, p.Ser208Arg (NM_024425.2); c.624C>A (NM_024426.4); short protein forms S208R, S213R.
Identifiers: ClinVar variation 2184384 (VCV002184384.5), dbSNP rs775333473, ClinGen allele CA065150.